The following is an entry in ClinVar:

NM_001394966.1(NEK10):c.261del (p.Phe87fs)

Gene: NEK10 (NIMA related kinase 10; minus strand). Cytogenetic location: 3p24.1.
Variant type: Deletion.
Coding change: c.261del on transcript NM_001394966.1 (MANE Select); coding-DNA position 261, one base deleted (T; older notation c.261delT).
Protein change: p.Phe87fs; shifts the reading frame from phenylalanine 87.
Molecular consequence: frameshift variant.
Genome position (GRCh38, 1-based): chr3:27,346,088, A deleted on the plus strand (T on the coding strand, the reverse complement: NEK10 is on the minus strand); the first of 4 consecutive A bases (chr3:27,346,088-27,346,091); deleting any one gives the same sequence. VCF-style (leftmost placement, unchanged base first): chr3-27346087-TA-T. GRCh37 (hg19) VCF-style: chr3-27387578-TA-T.
Other names: c.261del, p.Phe87fs (NM_001394963.1, NM_001394964.1, NM_001394965.1 and 7 more transcripts); short protein forms F87fs.
Identifiers: ClinVar variation 4855019 (VCV004855019.1).

ClinVar aggregate classification (germline): Pathogenic (1 of 4 stars; one submission).

Conditions:
Ciliary dyskinesia, primary, 44. Also called: CILIARY DYSKINESIA, PRIMARY, 44, WITHOUT SITUS INVERSUS. Identifiers: MedGen C5394063, MONDO:0032914, OMIM 618781.

Submission:

3billion
Classification: Pathogenic for Ciliary dyskinesia, primary, 44. Last evaluated: 2025-12-01. Review status: criteria provided, single submitter. Criteria: ACMG Guidelines, 2015. Collection method: clinical testing. Allele origin: germline. Affected: yes.
Comment: The variant is not observed in the gnomAD v4.1.0 dataset. Predicted Consequence/Location: Frameshift: predicted to result in a loss or disruption of normal protein function through nonsense-mediated decay (NMD) or protein truncation. Multiple pathogenic variants are reported downstream of the variant. Therefore, this variant is classified as Pathogenic according to the recommendation of ACMG/AMP guideline.